The following is an entry in ClinVar:

ClinVar aggregate classification (germline): Uncertain significance (1 of 4 stars; one submission).

Submission:

GeneDx
Classification: Uncertain significance. Last evaluated: 2024-10-23. Review status: criteria provided, single submitter. Criteria: GeneDx Variant Classification Process June 2021. Collection method: clinical testing. Allele origin: germline. Affected: yes.
Comment: Not observed at significant frequency in large population cohorts (gnomAD); In silico analysis supports that this missense variant has a deleterious effect on protein structure/function; Has not been previously published as pathogenic or benign to our knowledge

NM_006060.6(IKZF1):c.1268G>A (p.Arg423His)

Gene: IKZF1 (IKAROS family zinc finger 1; plus strand). Cytogenetic location: 7p12.2.
Variant type: single nucleotide variant.
Coding change: c.1268G>A on transcript NM_006060.6 (MANE Select); coding-DNA position 1268, G replaced by A.
Protein change: p.Arg423His; replaces arginine 423 with histidine.
Molecular consequence: missense variant.
Genome position (GRCh38, 1-based): chr7:50,400,335, G>A. VCF-style: chr7-50400335-G-A. GRCh37 (hg19) VCF-style: chr7-50468033-G-A.
Other names: c.1142G>A, p.Arg381His (NM_001220765.3, NM_001291837.2); c.977G>A, p.Arg326His (NM_001220767.2); c.1007G>A, p.Arg336His (NM_001220768.2, NM_001291838.2); c.851G>A, p.Arg284His (NM_001220770.2); c.839G>A, p.Arg280His (NM_001220771.2, NM_001291841.1); c.881G>A, p.Arg294His (NM_001291839.2); c.578G>A, p.Arg193His (NM_001291840.1); c.809G>A, p.Arg270His (NM_001291842.1); and 3 more; short protein forms R193H, R228H, R238H, R270H, R280H, R284H, R294H, R326H.
Identifiers: ClinVar variation 3893493 (VCV003893493.1).